The following is an entry in ClinVar:

ClinVar aggregate classification (germline): Uncertain significance. Review status: criteria provided, multiple submitters, no conflicts (2 of 4 stars). 2 submissions from 2 submitters: Uncertain significance (2). Last evaluated 2026-04-16.

Conditions:
Landau-Kleffner syndrome (FESD). Also called: EPILEPSY, FOCAL, WITH SPEECH DISORDER AND WITH OR WITHOUT MENTAL RETARDATION; APHASIA, ACQUIRED, WITH EPILEPSY. Identifiers: Orphanet 1945, Orphanet 725, Orphanet 98818, MedGen C0282512, MONDO:0009509, OMIM 245570.

gnomAD v4.1: 1 of 1,614,024 alleles (0.000062%); highest among the groups gnomAD compares: African/African-American, 0.0013%; no homozygotes.

Submissions (2):

Dasa
Classification: Uncertain significance. Last evaluated: 2026-04-16. Review status: criteria provided, single submitter. Criteria: DASA Assertion Criteria. Collection method: clinical testing. Allele origin: germline.
Comment: NM_001134407.3(GRIN2A):c.2862C>G (p.Ser954Arg) is a missense variant that results in the substitution of serine with arginine. This variant is rare in population databases. Computational prediction algorithms are consistent with a benign effect. The currently available literature and clinical evidence are not sufficient to establish a definitive association between this variant and the reported condition. Therefore, this variant is classified as a variant of uncertain significance.

Labcorp Genetics (formerly Invitae), Labcorp
Classification: Uncertain significance for Landau-Kleffner syndrome. Last evaluated: 2025-10-21. Review status: criteria provided, single submitter. Criteria: Invitae Variant Classification Sherloc (09022015). Collection method: clinical testing. Allele origin: germline.
Comment: This sequence change replaces serine, which is neutral and polar, with arginine, which is basic and polar, at codon 954 of the GRIN2A protein (p.Ser954Arg). This variant is not present in population databases (gnomAD no frequency). This variant has not been reported in the literature in individuals affected with GRIN2A-related conditions. Invitae Evidence Modeling of protein sequence and biophysical properties (such as structural, functional, and spatial information, amino acid conservation, physicochemical variation, residue mobility, and thermodynamic stability) indicates that this missense variant is not expected to disrupt GRIN2A protein function with a negative predictive value of 95%. In summary, the available evidence is currently insufficient to determine the role of this variant in disease. Therefore, it has been classified as a Variant of Uncertain Significance.

NM_001134407.3(GRIN2A):c.2862C>G (p.Ser954Arg)

Gene: GRIN2A (glutamate ionotropic receptor NMDA type subunit 2A; minus strand). Cytogenetic location: 16p13.2.
Variant type: single nucleotide variant.
Coding change: c.2862C>G on transcript NM_001134407.3 (MANE Select); coding-DNA position 2862, C replaced by G.
Protein change: p.Ser954Arg; replaces serine 954 with arginine.
Molecular consequence: missense variant.
Genome position (GRCh38, 1-based): chr16:9,764,682, G>C on the plus strand (C>G on the coding strand, the complement: GRIN2A is on the minus strand). VCF-style: chr16-9764682-G-C. GRCh37 (hg19) VCF-style: chr16-9858539-G-C.
Other names: c.2862C>G, p.Ser954Arg (NM_000833.5, NM_001134408.2); short protein forms S954R.
Identifiers: ClinVar variation 4809677 (VCV004809677.3).